The following is an entry in ClinVar:

NM_001792.5(CDH2):c.2018C>G (p.Ala673Gly)

Gene: CDH2 (cadherin 2; minus strand). Cytogenetic location: 18q12.1.
Variant type: single nucleotide variant.
Coding change: c.2018C>G on transcript NM_001792.5 (MANE Select); coding-DNA position 2018, C replaced by G.
Protein change: p.Ala673Gly; replaces alanine 673 with glycine.
Molecular consequence: missense variant.
Genome position (GRCh38, 1-based): chr18:27,985,191, G>C on the plus strand (C>G on the coding strand, the complement: CDH2 is on the minus strand). VCF-style: chr18-27985191-G-C. GRCh37 (hg19) VCF-style: chr18-25565155-G-C.
Other names: c.1925C>G, p.Ala642Gly (NM_001308176.2); short protein forms A642G, A673G.
Identifiers: ClinVar variation 2636165 (VCV002636165.1), dbSNP rs2510792526, ClinGen allele CA402107042.

ClinVar aggregate classification (germline): Uncertain significance (1 of 4 stars; one submission).

Conditions:
CDH2-related disorder. Also called: CDH2-related condition.

Submission:

PreventionGenetics, part of Exact Sciences
Classification: Uncertain significance for CDH2-related condition. Last evaluated: 2022-10-05. Review status: criteria provided, single submitter. Criteria: ACMG Guidelines, 2015. Collection method: clinical testing. Allele origin: germline.
Comment: The CDH2 c.2018C>G variant is predicted to result in the amino acid substitution p.Ala673Gly. To our knowledge, this variant has not been reported in the literature or in a large population database, indicating this variant is rare. At this time, the clinical significance of this variant is uncertain due to the absence of conclusive functional and genetic evidence.